The following is an entry in ClinVar:

NM_144997.7(FLCN):c.1177-5_1177-3del

Gene: FLCN (folliculin; minus strand). Cytogenetic location: 17p11.2.
Variant type: Microsatellite.
Coding change: c.1177-5_1177-3del on transcript NM_144997.7 (MANE Select); 5 bases into the intron before coding-DNA position 1177 through 3 bases into the intron before coding-DNA position 1177, 3 bases deleted (CTC; older notation c.1177-5_1177-3delCTC).
Molecular consequence: intron variant.
Genome position (GRCh38, 1-based): chr17:17,216,506-17,216,508, GAG deleted on the plus strand (CTC on the coding strand, the reverse complement: FLCN is on the minus strand); deleting any 3 consecutive bases within chr17:17,216,506-17,216,513 gives the same sequence; the c. name uses the placement nearest the transcript's 3' end. VCF-style (leftmost placement, unchanged base first): chr17-17216505-TGAG-T. GRCh37 (hg19) VCF-style: chr17-17119819-TGAG-T.
Other names: NC_000017.10:g.17119825_17119827del; c.1177-5_1177-3del (NM_144997.6, NM_001353231.2, NM_001353230.2); c.1177-10_1177-8del (NM_144997.7); c.1177-5_1177-3delCTC (NM_144997.5, NM_144997.7); c.1231-5_1231-3del (NM_001353229.2).
Identifiers: ClinVar variation 228691 (VCV000228691.51), dbSNP rs767671406, ClinGen allele CA8416103.
Genomic context (GRCh38, chr17:17,216,505, plus strand): 5'-GCCTCCTCGTACTGGCTGCTGTATGGGATGATGCGGACGCAGCCCACGGGAAGCATGGTC[TGAG>T]GAGGACAGCAGGACTCAGACCAAGGACACGAGGAAGCCCTCAGCCCCGGCCATCCATGCT-3'

ClinVar aggregate classification (germline): Pathogenic/Likely pathogenic. Review status: criteria provided, multiple submitters, no conflicts (2 of 4 stars). 19 submissions from 19 submitters: Pathogenic (9); Likely pathogenic (7). 3 of the submissions do not count toward it. Last evaluated 2026-09-01.

Conditions:
FLCN-related disorder. Also called: FLCN-related condition.
Pneumothorax - familial.
Multiple monogenic benign skin tumours.
FLCN-related disorders.
Nonpapillary renal cell carcinoma. Identifiers: Orphanet 422526, MedGen CN074294, MONDO:0007763, OMIM 144700.
Familial spontaneous pneumothorax (PSP). Identifiers: Orphanet 2903, MedGen C1868193, MONDO:0008259, OMIM 173600.
Birt-Hogg-Dube syndrome 1 (BHD1). Also called: FIBROFOLLICULOMAS WITH TRICHODISCOMAS AND ACROCHORDONS. Identifiers: Orphanet 122, MedGen CN375946, MONDO:0800445, OMIM 135150.
Colorectal cancer. Also called: Colorectal cancer, somatic; Malignant Colorectal Neoplasm. Identifiers: MedGen C0346629, MONDO:0005575, OMIM 114500.
Birt-Hogg-Dube syndrome. Also called: Birt Hogg Dubé syndrome. Identifiers: Orphanet 122, MedGen C0346010, MONDO:0800444.
Hereditary cancer-predisposing syndrome. Also called: Neoplastic Syndromes, Hereditary; Tumor predisposition; Hereditary Cancer Syndrome; Hereditary neoplastic syndrome. Identifiers: Orphanet 140162, MedGen C0027672, MeSH D009386, MONDO:0015356.

Submissions 1 to 8 of 20:

CeGaT Center for Human Genetics Tuebingen
Classification: Pathogenic. Last evaluated: 2026-09-01. Review status: criteria provided, single submitter. Criteria: CeGaT Center For Human Genetics Tuebingen Variant Classification Criteria Version 2. Collection method: clinical testing. Allele origin: germline. Affected: yes. Observed: 6 variant alleles.
Comment: FLCN: PP1:Strong, PS4, PVS1:Strong, PM2:Supporting, PM6:Supporting, PP4

Ambry Genetics
Classification: Pathogenic for Hereditary cancer-predisposing syndrome. Last evaluated: 2026-03-23. Review status: criteria provided, single submitter. Criteria: Ambry Variant Classification Scheme 2023. Collection method: clinical testing. Allele origin: germline.
Comment: The c.1177-5_1177-3delCTC intronic variant begins 5 nucleotides before exon 11 (coding exon 8) in the FLCN gene. This variant consists of a deletion of 3 nucleotides at positions c.1177-5 to c.1177-3. Based on data from gnomAD, the c.1177-5_1177-3delCTC allele has an overall frequency of 0.001% (3/248662) total alleles studied. The highest observed frequency was 0.005% (1/21382) of European (Finnish) alleles. This variant has been reported in multiple unrelated individuals with features of Birt-Hogg-Dube (BHD) syndrome, or symptoms consistent with BHDS (Kunogi, 2010; Lim, 2010; Kunogi Okura, 2013; Bartram, 2017) and has been found to segregate with disease (Kunogi Okura, 2013; Ambry Internal Data). These nucleotide positions are poorly conserved in available vertebrate species. rtPCR and mini-gene splicing assays both indicate that this alteration results in exon skipping and a transcript lacking coding exon 8 (Kunogi, 2010; Bartram, 2017; Rossing, 2017). Internal RNA studies have also demonstrated that this alteration results in abnormal splicing in the set of samples tested (Ambry internal data). In silico splice site analysis predicts that this alteration may result in the creation or strengthening of a novel splice acceptor site. Based on the available evidence, this alteration is classified as pathogenic.

Department of Clinical Genetics, Copenhagen University Hospital, Rigshospitalet
Classification: Pathogenic for Birt-Hogg-Dube syndrome. Last evaluated: 2026-02-10. Review status: criteria provided, single submitter. Criteria: ACMG Guidelines, 2015. Collection method: clinical testing. Allele origin: germline.
Comment: The following ACMG criteria has been used: PM2_SUP; PVS1_RNA; PS4; PP1

Genetics Laboratory, Great Ormond Street Hospital NHS Foundation Trust, North Thames Genomic Laboratory Hub
Classification: Likely pathogenic for Multiple monogenic benign skin tumours. Last evaluated: 2026-01-21. Review status: criteria provided, single submitter. Criteria: CanVIG Consensus Spec V3.0. Collection method: clinical testing. Allele origin: germline. Affected: yes.
Comment: PM2_supporting, PVS1_strong, PP1_supporting, PP4_moderate

Labcorp Genetics (formerly Invitae), Labcorp
Classification: Pathogenic for Birt-Hogg-Dube syndrome. Last evaluated: 2025-12-28. Review status: criteria provided, single submitter. Criteria: Invitae Variant Classification Sherloc (09022015). Collection method: clinical testing. Allele origin: germline.
Comment: This sequence change falls in intron 10 of the FLCN gene. It does not directly change the encoded amino acid sequence of the FLCN protein. RNA analysis indicates that this variant induces altered splicing and may result in an absent or altered protein product. This variant is present in population databases (rs767671406, gnomAD 0.005%). This variant has been observed in individuals with Birt–Hogg–Dubé syndrome (PMID: 19802896, 20413710, 24190151, 24994497, 27220747, 27734835). It has also been observed to segregate with disease in related individuals. ClinVar contains an entry for this variant (Variation ID: 228691). Variants that disrupt the consensus splice site are a relatively common cause of aberrant splicing (PMID: 17576681, 9536098). Studies have shown that this variant alters mRNA splicing and is expected to lead to the loss of protein expression (PMID: 27734835, 28499369; internal data). For these reasons, this variant has been classified as Pathogenic.

NHS Central & South Genomic Laboratory Hub
Classification: Likely pathogenic for Pneumothorax - familial. Last evaluated: 2025-10-21. Review status: criteria provided, single submitter. Criteria: ACMG Guidelines, 2015. Collection method: clinical testing. Allele origin: germline. Affected: yes.

ARUP Laboratories, Molecular Genetics and Genomics, ARUP Laboratories
Classification: Pathogenic. Last evaluated: 2025-04-27. Review status: criteria provided, single submitter. Criteria: ARUP Molecular Germline Variant Investigation Process 2024. Collection method: clinical testing. Allele origin: germline.
Comment: The FLCN c.1177-5_1177-3delCTC variant (rs767671406) is reported in the literature in individuals with Birt-Hogg-Dube syndrome (Bartram 2017, Furuya 2016, Johannesma 2014, Kunogi Okura 2013, Kunogi 2010), and it has been shown to co-segregate with disease (Kunogi Okura 2013). Functional analyses demonstrate that this intronic variant causes exon skipping ultimately leading to a truncated and destabilized protein (Bartram 2017). This variant is reported by multiple laboratories in ClinVar (Variation ID: 228691). It is found in the general population with a low overall allele frequency of 0.001% (3/243776 alleles) in the Genome Aggregation Database. Computational algorithms also predict that the variant has an impact on the nearby canonical splice acceptor (Alamut v.2.10), consistent with functional studies. Based on available information, this variant is considered pathogenic. REFERENCES Bartram MP et al. Characterization of a splice-site mutation in the tumor suppressor gene FLCN associated with renal cancer. BMC Med Genet. 2017 May 12;18(1):53. Furuya M et al. Genetic, epidemiologic and clinicopathologic studies of Japanese Asian patients with Birt-Hogg-DubÃ© syndrome. Clin Genet. 2016 Nov;90(5):403-412. Johannesma PC et al. Spontaneous pneumothorax as indicator for Birt-Hogg-DubÃ© syndrome in paediatric patients. BMC Pediatr. 2014 Jul 3;14:171. Kunogi Okura M et al. Pneumothorax developing for the first time in a 73-year-old woman diagnosed with Birt-Hogg-DubÃ© syndrome. Intern Med. 2013;52(21):2453-5. Kunogi M et al. Clinical and genetic spectrum of Birt-Hogg-Dube syndrome patients in whom pneumothorax and/or multiple lung cysts are the presenting feature. J Med Genet. 2010 Apr;47(4):281-7.

Quest Diagnostics Nichols Institute San Juan Capistrano
Classification: Likely pathogenic. Last evaluated: 2024-07-18. Review status: criteria provided, single submitter. Criteria: Quest Diagnostics criteria. Collection method: clinical testing. Allele origin: unknown.
Comment: The FLCN c.1177-5_1177-3del variant has been reported in the published literature in individuals/families with Birt-Hogg-Dube (BHD) syndrome or suspected BHD syndrome (PMIDs: 20413710 (2010), 24190151 (2013), 24994497 (2014), 27220747 (2016), 27734835 (2017), 28499369 (2017), 28558743 (2017), 35176117 (2022)). In addition, experimental studies have shown that this variant causes exon 11 skipping which results in a truncated FLCN protein with reduced stability (PMIDs: 28499369 (2017) and 27734835 (2017)). The frequency of this variant in the general population, 0.000012 (3/248662 chromosomes (Genome Aggregation Database)), is uninformative in the assessment of its pathogenicity. Based on the available information, this variant is classified as likely pathogenic.